The following is an entry in ClinVar:

ClinVar aggregate classification (germline): Conflicting classifications of pathogenicity. Review status: criteria provided, conflicting classifications (1 of 4 stars). 4 submissions from 4 submitters: Uncertain significance (3); Likely benign (1). Last evaluated 2026-05-25.

Conditions:
Inborn genetic diseases. Identifiers: MedGen C0950123, MeSH D030342.
Hypomagnesemia, seizures, and impaired intellectual development 1. Also called: Hypomagnesemia, seizures, and intellectual disability 1. Identifiers: Orphanet 34527, MedGen C4225333, MONDO:0020787, OMIM 616418.
Renal hypomagnesemia 6. Identifiers: Orphanet 34527, MedGen C3151295, MONDO:0013480, OMIM 613882.

Allele frequency attached by ClinVar (database versions not stated): gnomAD exomes 0.00001; gnomAD 0.00002; TOPMed 0.00003; ExAC 0.00005; 1000 Genomes Project 30x 0.00016.
gnomAD v4.1: 19 of 1,613,720 alleles (0.0012%); highest among the groups gnomAD compares: East Asian, 0.027%; no homozygotes.

Submissions (4):

Revvity Omics, Revvity
Classification: Likely benign. Last evaluated: 2026-05-25. Review status: criteria provided, single submitter. Criteria: ACMG Guidelines, 2015. Collection method: clinical testing. Allele origin: germline.

Ambry Genetics
Classification: Uncertain significance for Inborn genetic diseases. Last evaluated: 2025-10-21. Review status: criteria provided, single submitter. Criteria: Ambry Variant Classification Scheme 2023. Collection method: clinical testing. Allele origin: germline.

Labcorp Genetics (formerly Invitae), Labcorp
Classification: Uncertain significance. Last evaluated: 2025-07-13. Review status: criteria provided, single submitter. Criteria: Invitae Variant Classification Sherloc (09022015). Collection method: clinical testing. Allele origin: germline.
Comment: This sequence change replaces alanine, which is neutral and non-polar, with glycine, which is neutral and non-polar, at codon 865 of the CNNM2 protein (p.Ala865Gly). This variant is present in population databases (rs766381026, gnomAD 0.07%). This variant has not been reported in the literature in individuals affected with CNNM2-related conditions. ClinVar contains an entry for this variant (Variation ID: 2296384). An algorithm developed to predict the effect of missense changes on protein structure and function (PolyPhen-2) suggests that this variant is likely to be tolerated. In summary, the available evidence is currently insufficient to determine the role of this variant in disease. Therefore, it has been classified as a Variant of Uncertain Significance.

Fulgent Genetics
Classification: Uncertain significance for Renal hypomagnesemia 6; Hypomagnesemia, seizures, and impaired intellectual development 1. Last evaluated: 2024-01-05. Review status: criteria provided, single submitter. Criteria: ACMG Guidelines, 2015. Collection method: clinical testing. Allele origin: germline.

NM_017649.5(CNNM2):c.2594C>G (p.Ala865Gly)

Gene: CNNM2 (cyclin and CBS domain divalent metal cation transport mediator 2; plus strand). Cytogenetic location: 10q24.32.
Variant type: single nucleotide variant.
Coding change: c.2594C>G on transcript NM_017649.5 (MANE Select); coding-DNA position 2594, C replaced by G.
Protein change: p.Ala865Gly; replaces alanine 865 with glycine.
Molecular consequence: missense variant.
Genome position (GRCh38, 1-based): chr10:103,077,146, C>G. VCF-style: chr10-103077146-C-G. GRCh37 (hg19) VCF-style: chr10-104836903-C-G.
Other names: c.2528C>G, p.Ala843Gly (NM_199076.3); short protein forms A843G, A865G.
Identifiers: ClinVar variation 2296384 (VCV002296384.8), dbSNP rs766381026, ClinGen allele CA5670653.
Genomic context (GRCh38, chr10:103,077,146, plus strand): 5'-GGTTGCCAGACGAGACAGCCAACCTGCTCAACGAACAGAACTGTGTGACGCACAGTAAGG[C>G]CAACCACAGCCTGCACAACGAAGGCGCCATCTAGGCCGCGCTGGCTGCACCCGCCCAGGC-3'
Protein context (NP_060119.3, residues 855-875): NEQNCVTHSK[Ala865Gly]NHSLHNEGAI